The following is an entry in ClinVar:

NM_133459.4(CCBE1):c.*3853C>T

Gene: CCBE1 (collagen and calcium binding EGF domains 1; minus strand). Cytogenetic location: 18q21.32.
Variant type: single nucleotide variant.
Coding change: c.*3853C>T on transcript NM_133459.4 (MANE Select); 3853 bases downstream of the stop codon, C replaced by T.
Molecular consequence: 3 prime UTR variant.
Genome position (GRCh38, 1-based): chr18:59,432,055, G>A on the plus strand (C>T on the coding strand, the complement: CCBE1 is on the minus strand). VCF-style: chr18-59432055-G-A. GRCh37 (hg19) VCF-style: chr18-57099287-G-A.
Identifiers: ClinVar variation 890099 (VCV000890099.4), dbSNP rs145393328, ClinGen allele CA301037501.
Genomic context (GRCh38, chr18:59,432,055, plus strand): 5'-CCAGGCTGGAGTGCAGTGGCGCAATCTTGGCTCACTGCAACCTCCACCTCCCGGGTTCAA[G>A]CAATTCTTGTGTCTCAGCTTCCCGAGTAGCTGAGACTACAGGCGTGCACCACCACGCCTG-3'

ClinVar aggregate classification (germline): Likely benign (1 of 4 stars; one submission).

Conditions:
Hennekam lymphangiectasia-lymphedema syndrome 1 (HKLLS1). Also called: LYMPHATIC DYSPLASIA, GENERALIZED. Identifiers: Orphanet 2136, MedGen C4012050, MONDO:0009337, OMIM 235510.

Allele frequency attached by ClinVar (database versions not stated): 1000 Genomes Project 30x 0.00281; 1000 Genomes Project 0.00319; TOPMed 0.00385.

Submission:

Illumina Laboratory Services, Illumina
Classification: Likely benign for Hennekam lymphangiectasia-lymphedema syndrome 1. Last evaluated: 2018-01-13. Review status: criteria provided, single submitter. Criteria: ICSL Variant Classification Criteria 13 December 2019. Collection method: clinical testing. Allele origin: germline.
Comment: This variant was observed in the ICSL laboratory as part of a predisposition screen in an ostensibly healthy population. It had not been previously curated by ICSL or reported in the Human Gene Mutation Database (HGMD: prior to June 1st, 2018), and was therefore a candidate for classification through an automated scoring system. Utilizing variant allele frequency, disease prevalence and penetrance estimates, and inheritance mode, an automated score was calculated to assess if this variant is too frequent to cause the disease. Based on the score and internal cut-off values, a variant classified as likely benign is not then subjected to further curation. The score for this variant resulted in a classification of likely benign for this disease.